The following is an entry in ClinVar:

NM_005633.4(SOS1):c.1652A>G (p.Glu551Gly)

Gene: SOS1 (SOS Ras/Rac guanine nucleotide exchange factor 1; minus strand). Cytogenetic location: 2p22.1.
Variant type: single nucleotide variant.
Coding change: c.1652A>G on transcript NM_005633.4 (MANE Select); coding-DNA position 1652, A replaced by G.
Protein change: p.Glu551Gly; replaces glutamic acid 551 with glycine.
Molecular consequence: missense variant.
Genome position (GRCh38, 1-based): chr2:39,022,776, T>C on the plus strand (A>G on the coding strand, the complement: SOS1 is on the minus strand). VCF-style: chr2-39022776-T-C. GRCh37 (hg19) VCF-style: chr2-39249917-T-C.
Other names: c.1631A>G, p.Glu544Gly (NM_001382394.1); c.1652A>G, p.Glu551Gly (NM_001382395.1); c.1652A>G (NM_005633.3); short protein forms E544G, E551G.
Identifiers: ClinVar variation 1678331 (VCV001678331.2), dbSNP rs2124536733, ClinGen allele CA346365686.

ClinVar aggregate classification (germline): Uncertain significance. Review status: criteria provided, multiple submitters, no conflicts (2 of 4 stars). 2 submissions from 2 submitters: Uncertain significance (2). Last evaluated 2025-08-30.

Conditions:
Cardiovascular phenotype. Identifiers: MedGen CN230736.

Submissions (2):

Ambry Genetics
Classification: Uncertain significance for Cardiovascular phenotype. Last evaluated: 2025-08-30. Review status: criteria provided, single submitter. Criteria: Ambry Variant Classification Scheme 2023. Collection method: clinical testing. Allele origin: germline.
Comment: The p.E551G variant (also known as c.1652A>G), located in coding exon 10 of the SOS1 gene, results from an A to G substitution at nucleotide position 1652. The glutamic acid at codon 551 is replaced by glycine, an amino acid with similar properties. This amino acid position is conserved. In addition, this alteration is predicted to be deleterious by in silico analysis. Based on the available evidence, the clinical significance of this variant remains unclear.

AiLife Diagnostics
Classification: Uncertain significance. Last evaluated: 2020-09-10. Review status: criteria provided, single submitter. Criteria: ACMG Guidelines, 2015. Collection method: clinical testing. Allele origin: germline. Affected: yes. Observed: 1 variant allele.